The following is an entry in ClinVar:

ClinVar aggregate classification (germline): Uncertain significance (1 of 4 stars; one submission).

Conditions:
Hereditary cancer-predisposing syndrome. Also called: Neoplastic Syndromes, Hereditary; Tumor predisposition; Hereditary Cancer Syndrome; Hereditary neoplastic syndrome. Identifiers: Orphanet 140162, MedGen C0027672, MeSH D009386, MONDO:0015356.

Submission:

Ambry Genetics
Classification: Uncertain significance for Hereditary cancer-predisposing syndrome. Last evaluated: 2025-07-28. Review status: criteria provided, single submitter. Criteria: Ambry Variant Classification Scheme 2023. Collection method: clinical testing. Allele origin: germline.
Comment: The p.R331K variant (also known as c.992G>A), located in coding exon 9 of the BRCA1 gene, results from a G to A substitution at nucleotide position 992. The arginine at codon 331 is replaced by lysine, an amino acid with highly similar properties. This amino acid position is not well conserved in available vertebrate species. In addition, the in silico prediction for this alteration is inconclusive. Based on the available evidence, the clinical significance of this variant remains unclear.

NM_007294.4(BRCA1):c.992G>A (p.Arg331Lys)

Gene: BRCA1 (BRCA1 DNA repair associated; minus strand). Cytogenetic location: 17q21.31.
Variant type: single nucleotide variant.
Coding change: c.992G>A on transcript NM_007294.4 (MANE Select); coding-DNA position 992, G replaced by A.
Protein change: p.Arg331Lys; replaces arginine 331 with lysine.
Molecular consequence: missense variant. On other transcripts: intron variant (137).
Genome position (GRCh38, 1-based): chr17:43,094,539, C>T on the plus strand (G>A on the coding strand, the complement: BRCA1 is on the minus strand). VCF-style: chr17-43094539-C-T. GRCh37 (hg19) VCF-style: chr17-41246556-C-T.
Other names: c.851G>A, p.Arg284Lys (NM_001407738.1, NM_001407739.1, NM_001407692.1 and 29 more transcripts); c.577+205G>A (NM_001408514.1, NM_001408485.1, NM_001408483.1 and 9 more transcripts); c.661+205G>A (NM_001408447.1, NM_001408433.1, NM_001408446.1 and 6 more transcripts); c.848G>A, p.Arg283Lys (NM_001407740.1, NM_001407741.1, NM_001407742.1 and 20 more transcripts); c.784+205G>A (NM_001408400.1, NM_001408392.1, NM_001407986.1 and 13 more transcripts); c.664+205G>A (NM_001408441.1, NM_001408437.1, NM_001408429.1 and 12 more transcripts); c.787+205G>A (NM_001407979.1, NM_001407977.1, NM_001407982.1 and 19 more transcripts); c.646+205G>A (NM_001408410.1, NM_001408458.1, NM_001408469.1 and 11 more transcripts); and 40 more; short protein forms R289K, R290K, R305K, R328K, R219K, R242K, R263K, R284K.
Identifiers: ClinVar variation 4215098 (VCV004215098.1).